The following is an entry in ClinVar:

NM_002693.3(POLG):c.128_131del (p.Gln43fs)

Genes: POLG (DNA polymerase gamma, catalytic subunit; minus strand), POLGARF (POLG alternative reading frame; minus strand). Cytogenetic location: 15q26.1.
Variant type: Deletion.
Coding change: c.128_131del on transcript NM_002693.3 (MANE Select); coding-DNA positions 128 to 131, 4 bases deleted (AGCA; older notation c.128_131delAGCA).
Protein change: p.Gln43fs; shifts the reading frame from glutamine 43.
Molecular consequence: frameshift variant.
Genome position (GRCh38, 1-based): chr15:89,333,624-89,333,627, TGCT deleted on the plus strand (AGCA on the coding strand, the reverse complement: POLG is on the minus strand). VCF-style (leftmost placement, unchanged base first): chr15-89333623-CTGCT-C. GRCh37 (hg19) VCF-style: chr15-89876854-CTGCT-C.
Other names: c.183_186del, p.Ala62fs (NM_001430120.1); c.128_131del, p.Gln43fs (NM_001126131.2); short protein forms A62fs, Q43fs.
Identifiers: ClinVar variation 5013100 (VCV005013100.1).

ClinVar aggregate classification (germline): Pathogenic (1 of 4 stars; one submission).

Conditions:
POLG-related disorder. Also called: POLG-Related Spectrum Disorders; POLG-related condition; POLG-Related Disorders. Identifiers: MedGen C4763519.

Submission:

Myriad Genetics, Inc.
Classification: Pathogenic for POLG-related disorder. Last evaluated: 2024-05-23. Review status: criteria provided, single submitter. Criteria: Myriad Autosomal Dominant, Autosomal Recessive and X-Linked Classification Criteria (2023). Collection method: clinical testing. Allele origin: unknown.
Comment: NM_002693.2(POLG):c.128_131delAGCA(Q43Rfs*222) is expected to be pathogenic in the context of POLG-related disorders. This variant is predicted to lead to an abnormal or absent protein product due to the creation of a premature termination codon in POLG, a gene where loss-of-function variants are known to be pathogenic. Please note: this variant was assessed in the context of healthy population screening.